The following is an entry in ClinVar:

NM_004444.5(EPHB4):c.255C>A (p.His85Gln)

Gene: EPHB4 (EPH receptor B4; minus strand). Cytogenetic location: 7q22.1.
Variant type: single nucleotide variant.
Coding change: c.255C>A on transcript NM_004444.5 (MANE Select); coding-DNA position 255, C replaced by A.
Protein change: p.His85Gln; replaces histidine 85 with glutamine.
Molecular consequence: missense variant.
Genome position (GRCh38, 1-based): chr7:100,823,800, G>T on the plus strand (C>A on the coding strand, the complement: EPHB4 is on the minus strand). VCF-style: chr7-100823800-G-T. GRCh37 (hg19) VCF-style: chr7-100421422-G-T.
Other names: short protein forms H85Q.
Identifiers: ClinVar variation 3384603 (VCV003384603.2).

ClinVar aggregate classification (germline): Uncertain significance (1 of 4 stars; one submission).

Submission:

GeneDx
Classification: Uncertain significance. Last evaluated: 2025-11-06. Review status: criteria provided, single submitter. Criteria: GeneDx Variant Classification Process June 2021. Collection method: clinical testing. Allele origin: germline.
Comment: Not observed at significant frequency in large population cohorts (gnomAD); In silico analysis suggests that this missense variant does not alter protein structure/function; Has not been previously published as pathogenic or benign to our knowledge